The following is an entry in ClinVar:

NM_016628.5(WAC):c.1537C>T (p.Arg513Ter)

Gene: WAC (WW domain containing adaptor with coiled-coil; plus strand). Cytogenetic location: 10p12.1.
Variant type: single nucleotide variant.
Coding change: c.1537C>T on transcript NM_016628.5 (MANE Select); coding-DNA position 1537, C replaced by T.
Protein change: p.Arg513Ter; replaces arginine 513 with a stop codon.
Molecular consequence: nonsense.
Genome position (GRCh38, 1-based): chr10:28,614,666, C>T. VCF-style: chr10-28614666-C-T. GRCh37 (hg19) VCF-style: chr10-28903595-C-T.
Other names: c.1402C>T, p.Arg468Ter (NM_100264.3); c.1228C>T, p.Arg410Ter (NM_100486.4); short protein forms R513*, R468*, R410*.
Identifiers: ClinVar variation 584445 (VCV000584445.23), dbSNP rs1564421528, ClinGen allele CA376404808.
Genomic context (GRCh38, chr10:28,614,666, plus strand): 5'-TCAGCCACACAGCAGCCTGTAACTGCTGACAAGCAGCAAGGTCATGAACCTGTCTCTCCT[C>T]GAAGTCTTCAGCGCTCAAGGTAGGTTGATATTGTATATTGAGACCACATTGTTTTATTTA-3'

ClinVar aggregate classification (germline): Pathogenic. Review status: criteria provided, multiple submitters, no conflicts (2 of 4 stars). 7 submissions from 7 submitters: Pathogenic (5). 2 of the submissions do not count toward it. Last evaluated 2024-10-01.

Conditions:
DeSanto-Shinawi syndrome due to WAC point mutation (DESSH). Also called: WAC-Related Intellectual Disability; DEVELOPMENTAL DELAY, BEHAVIORAL ABNORMALITIES, FACIAL DYSMORPHISM, AND OCULAR ABNORMALITIES; Facial dysmorphism-developmental delay-behavioral abnormalities syndrome due to WAC point mutation. Identifiers: Orphanet 284169, Orphanet 466950, MedGen C5681129, MONDO:0014741, OMIM 616708.

Submissions (7):

CeGaT Center for Human Genetics Tuebingen
Classification: Pathogenic. Last evaluated: 2024-10-01. Review status: criteria provided, single submitter. Criteria: CeGaT Center For Human Genetics Tuebingen Variant Classification Criteria Version 2. Collection method: clinical testing. Allele origin: germline. Affected: yes. Observed: 1 variant allele.
Comment: WAC: PVS1, PM2, PS2:Moderate, PS4:Moderate

Victorian Clinical Genetics Services, Murdoch Childrens Research Institute
Classification: Pathogenic for DeSanto-Shinawi syndrome due to WAC point mutation. Last evaluated: 2024-09-20. Review status: criteria provided, single submitter. Criteria: ACMG Guidelines, 2015. Collection method: clinical testing. Allele origin: germline. Inheritance: Autosomal dominant inheritance. Affected: yes.
Comment: Based on the classification scheme VCGS_Germline_v1.3.4, this variant is classified as Pathogenic. Following criteria are met: 0102 - Loss of function is a known mechanism of disease in this gene and is associated with Desanto-Shinawi syndrome (MIM#616708). (I) 0107 - This gene is associated with autosomal dominant disease. (I) 0201 - Variant is predicted to cause nonsense-mediated decay (NMD) and loss of protein (premature termination codon is located at least 54 nucleotides upstream of the final exon-exon junction). (SP) 0251 - This variant is heterozygous. (I) 0301 - Variant is absent from gnomAD (both v2 and v3). (SP) 0701 - Many other NMD-predicted variants comparable to the one identified in this case have very strong previous evidence for pathogenicity (DECIPHER). (SP) 0801 - This variant has strong previous evidence of pathogenicity in unrelated individuals. This variant has been classified as pathogenic by multiple clinical laboratories in ClinVar and LOVD and has been observed in a de novo individual in DECIPHER. (SP) 1007 - No published functional evidence has been identified for this variant. (SP) Legend: (SP) - Supporting pathogenic, (I) - Information, (SB) - Supporting benign

GeneDx
Classification: Pathogenic. Last evaluated: 2023-08-09. Review status: criteria provided, single submitter. Criteria: GeneDx Variant Classification Process June 2021. Collection method: clinical testing. Allele origin: germline.
Comment: Nonsense variant predicted to result in protein truncation or nonsense mediated decay in a gene for which loss of function is a known mechanism of disease; Not observed at significant frequency in large population cohorts (gnomAD); Previously reported as p.Arg468* (PMID: 35118825, 33726816); This variant is associated with the following publications: (PMID: 35118825, 33726816)

Clinical Genetics and Genomics, Karolinska University Hospital
Classification: Pathogenic. Last evaluated: 2019-03-28. Review status: criteria provided, single submitter. Criteria: ACMG Guidelines, 2015. Collection method: clinical testing. Allele origin: germline. Affected: yes. Observed: 1 variant allele.

Undiagnosed Diseases Network, NIH
Classification: Pathogenic for DeSanto-Shinawi syndrome due to WAC point mutation. Last evaluated: 2018-03-05. Review status: criteria provided, single submitter. Criteria: ACMG Guidelines, 2015. Collection method: clinical testing. Allele origin: de novo. Inheritance: Autosomal dominant inheritance. Affected: yes. Observed: 1 variant allele, 1 heterozygote. Study: Undiagnosed Diseases Network (NIH), UDN.

Diagnostic Laboratory, Department of Genetics, University Medical Center Groningen
Classification: Pathogenic. Review status: no assertion criteria provided. Collection method: clinical testing. Allele origin: germline. Affected: yes. Study: VKGL Data-share Consensus. Not counted in ClinVar's aggregate classification.

Genome Diagnostics Laboratory, Amsterdam University Medical Center
Classification: Pathogenic. Review status: no assertion criteria provided. Collection method: clinical testing. Allele origin: germline. Affected: yes. Study: VKGL Data-share Consensus. Not counted in ClinVar's aggregate classification.